The following is an entry in ClinVar:

NM_001903.5(CTNNA1):c.1063-3C>G

Gene: CTNNA1 (catenin alpha 1; plus strand). Cytogenetic location: 5q31.2.
Variant type: single nucleotide variant.
Coding change: c.1063-3C>G on transcript NM_001903.5 (MANE Select); 3 bases into the intron before coding-DNA position 1063, C replaced by G.
Molecular consequence: intron variant.
Genome position (GRCh38, 1-based): chr5:138,886,209, C>G. VCF-style: chr5-138886209-C-G. GRCh37 (hg19) VCF-style: chr5-138221898-C-G.
Other names: c.1063-3C>G (NM_001323982.2, NM_001323984.2, NM_001290307.3 and 3 more transcripts); c.694-3C>G (NM_001290310.3); c.754-3C>G (NM_001290309.3); c.-48-3C>G (NM_001323996.1, NM_001323993.1, NM_001324005.1 and 18 more transcripts); c.-445-3C>G (NM_001324007.1, NM_001324009.1, NM_001324006.1 and 1 more transcripts); c.-320-3C>G (NM_001324013.1); c.-58+10612C>G (NM_001324012.1); c.-61+10612C>G (NM_001324010.1).
Identifiers: ClinVar variation 3837156 (VCV003837156.1).

ClinVar aggregate classification (germline): Uncertain significance (1 of 4 stars; one submission).

Conditions:
Hereditary cancer-predisposing syndrome. Also called: Hereditary neoplastic syndrome; Neoplastic Syndromes, Hereditary; Tumor predisposition; Hereditary Cancer Syndrome. Identifiers: Orphanet 140162, MedGen C0027672, MeSH D009386, MONDO:0015356.

Submission:

Ambry Genetics
Classification: Uncertain significance for Hereditary cancer-predisposing syndrome. Last evaluated: 2025-01-07. Review status: criteria provided, single submitter. Criteria: Ambry Variant Classification Scheme 2023. Collection method: clinical testing. Allele origin: germline.
Comment: The c.1063-3C>G intronic variant results from a C to G substitution 3 nucleotides upstream from coding exon 7 in the CTNNA1 gene. This nucleotide position is poorly conserved in available vertebrate species. In silico splice site analysis for this alteration is inconclusive. The evidence for this gene-disease relationship is limited; therefore, the clinical significance of this alteration is unclear.